The following is an entry in ClinVar:

ClinVar aggregate classification (germline): Uncertain significance (1 of 4 stars; one submission).

Conditions:
Sulfite oxidase deficiency due to molybdenum cofactor deficiency type C. Also called: Molybdenum cofactor deficiency C; Molybdenum cofactor deficiency, complementation group C. Identifiers: Orphanet 308400, Orphanet 833, MedGen C1854990, MONDO:0014212, OMIM 615501.

Allele frequency attached by ClinVar (database versions not stated): gnomAD exomes below 0.00001; TOPMed below 0.00001.
gnomAD v4.1: 2 of 1,599,428 alleles (0.00013%); highest among the groups gnomAD compares: South Asian, 0.0022%; no homozygotes.

Submission:

Labcorp Genetics (formerly Invitae), Labcorp
Classification: Uncertain significance for Sulfite oxidase deficiency due to molybdenum cofactor deficiency type C. Last evaluated: 2024-12-02. Review status: criteria provided, single submitter. Criteria: Invitae Variant Classification Sherloc (09022015). Collection method: clinical testing. Allele origin: germline.
Comment: This sequence change replaces isoleucine, which is neutral and non-polar, with methionine, which is neutral and non-polar, at codon 37 of the GPHN protein (p.Ile37Met). This variant is not present in population databases (gnomAD no frequency). This variant has not been reported in the literature in individuals affected with GPHN-related conditions. ClinVar contains an entry for this variant (Variation ID: 1358514). Invitae Evidence Modeling of protein sequence and biophysical properties (such as structural, functional, and spatial information, amino acid conservation, physicochemical variation, residue mobility, and thermodynamic stability) indicates that this missense variant is not expected to disrupt GPHN protein function with a negative predictive value of 80%. In summary, the available evidence is currently insufficient to determine the role of this variant in disease. Therefore, it has been classified as a Variant of Uncertain Significance.

NM_020806.5(GPHN):c.111A>G (p.Ile37Met)

Gene: GPHN (gephyrin; plus strand). Cytogenetic location: 14q23.3.
Variant type: single nucleotide variant.
Coding change: c.111A>G on transcript NM_020806.5 (MANE Select); coding-DNA position 111, A replaced by G.
Protein change: p.Ile37Met; replaces isoleucine 37 with methionine.
Molecular consequence: missense variant.
Genome position (GRCh38, 1-based): chr14:66,681,153, A>G. VCF-style: chr14-66681153-A-G. GRCh37 (hg19) VCF-style: chr14-67147871-A-G.
Other names: c.111A>G, p.Ile37Met (NM_001024218.2, NM_001377514.1, NM_001377515.1 and 4 more transcripts); short protein forms I37M.
Identifiers: ClinVar variation 1358514 (VCV001358514.8), dbSNP rs2066912188, ClinGen allele CA390255619.